The following is an entry in ClinVar:

ClinVar aggregate classification (germline): Uncertain significance (1 of 4 stars; one submission).

Submission:

GeneDx
Classification: Uncertain significance. Last evaluated: 2025-03-17. Review status: criteria provided, single submitter. Criteria: GeneDx Variant Classification Process June 2021. Collection method: clinical testing. Allele origin: germline. Affected: yes.
Comment: Not observed at significant frequency in large population cohorts (gnomAD); In silico analysis indicates that this missense variant does not alter protein structure/function; Has not been previously published as pathogenic or benign to our knowledge

NM_006087.4(TUBB4A):c.1251C>G (p.Asp417Glu)

Gene: TUBB4A (tubulin beta 4A class IVa; minus strand). Cytogenetic location: 19p13.3.
Variant type: single nucleotide variant.
Coding change: c.1251C>G on transcript NM_006087.4 (MANE Select); coding-DNA position 1251, C replaced by G.
Protein change: p.Asp417Glu; replaces aspartic acid 417 with glutamic acid.
Molecular consequence: missense variant.
Genome position (GRCh38, 1-based): chr19:6,495,248, G>C on the plus strand (C>G on the coding strand, the complement: TUBB4A is on the minus strand). VCF-style: chr19-6495248-G-C. GRCh37 (hg19) VCF-style: chr19-6495259-G-C.
Other names: c.1404C>G, p.Asp468Glu (NM_001289123.2); c.1386C>G, p.Asp462Glu (NM_001289127.2); c.1251C>G, p.Asp417Glu (NM_001289129.2); c.1035C>G, p.Asp345Glu (NM_001289130.2, NM_001289131.2); short protein forms D345E, D417E, D462E, D468E.
Identifiers: ClinVar variation 4086577 (VCV004086577.1).